The following is an entry in ClinVar:

ClinVar aggregate classification (germline): Pathogenic/Likely pathogenic. Review status: criteria provided, multiple submitters, no conflicts (2 of 4 stars). 2 submissions from 2 submitters: Pathogenic (1); Likely pathogenic (1). Last evaluated 2025-01-06.

Conditions:
VPS13B-related disorder. Also called: VPS13B-related condition.
Cohen syndrome (COH1). Also called: PEPPER SYNDROME; Cutis verticis gyrata, retinitis pigmentosa, and sensorineural deafness. Identifiers: Orphanet 193, MedGen C0265223, MONDO:0008999, OMIM 216550.

Submissions (2):

Labcorp Genetics (formerly Invitae), Labcorp
Classification: Pathogenic for Cohen syndrome. Last evaluated: 2025-01-06. Review status: criteria provided, single submitter. Criteria: Invitae Variant Classification Sherloc (09022015). Collection method: clinical testing. Allele origin: germline.
Comment: This sequence change creates a premature translational stop signal (p.Phe2629Serfs*5) in the VPS13B gene. It is expected to result in an absent or disrupted protein product. Loss-of-function variants in VPS13B are known to be pathogenic (PMID: 15141358, 16648375, 20461111). This variant is not present in population databases (gnomAD no frequency). This variant has not been reported in the literature in individuals affected with VPS13B-related conditions. Algorithms developed to predict the effect of sequence changes on RNA splicing suggest that this variant may disrupt the consensus splice site. For these reasons, this variant has been classified as Pathogenic.

Blueprint Genetics
Classification: Likely pathogenic for VPS13B-related disorders. Last evaluated: 2022-07-18. Review status: criteria provided, single submitter. Criteria: ACMG Guidelines, 2015. Collection method: clinical testing. Allele origin: germline. Affected: yes. Observed: 1 variant allele.

Literature cited by the submitters: PubMed 15141358 (cited by Labcorp Genetics (formerly Invitae), Labcorp); PubMed 16648375 (cited by Labcorp Genetics (formerly Invitae), Labcorp); PubMed 20461111 (cited by Labcorp Genetics (formerly Invitae), Labcorp).

NM_152564.5(VPS13B):c.7809del (p.Phe2604fs)

Gene: VPS13B (vacuolar protein sorting 13 homolog B; plus strand). Cytogenetic location: 8q22.2.
Variant type: Deletion.
Coding change: c.7809del on transcript NM_152564.5 (MANE Select); coding-DNA position 7809, one base deleted (C; older notation c.7809delC).
Protein change: p.Phe2604fs; shifts the reading frame from phenylalanine 2604.
Molecular consequence: frameshift variant.
Genome position (GRCh38, 1-based): chr8:99,784,344, C deleted. VCF-style (leftmost placement, unchanged base first): chr8-99784343-TC-T. GRCh37 (hg19) VCF-style: chr8-100796571-TC-T.
Other names: c.7884del, p.Phe2629fs (NM_017890.5); short protein forms F2604fs, F2629fs.
Identifiers: ClinVar variation 3654917 (VCV003654917.3).